The following is an entry in ClinVar:

NM_000096.4(CP):c.2670C>G (p.Tyr890Ter)

Gene: CP (ceruloplasmin; minus strand). Cytogenetic location: 3q24.
Variant type: single nucleotide variant.
Coding change: c.2670C>G on transcript NM_000096.4 (MANE Select); coding-DNA position 2670, C replaced by G.
Protein change: p.Tyr890Ter; replaces tyrosine 890 with a stop codon.
Molecular consequence: nonsense. On other transcripts: non-coding transcript variant (1).
Genome position (GRCh38, 1-based): chr3:149,178,623, G>C on the plus strand (C>G on the coding strand, the complement: CP is on the minus strand). VCF-style: chr3-149178623-G-C. GRCh37 (hg19) VCF-style: chr3-148896410-G-C.
Other names: short protein forms Y890*.
Identifiers: ClinVar variation 952512 (VCV000952512.36), dbSNP rs1043139127, ClinGen allele CA85528848.

ClinVar aggregate classification (germline): Pathogenic/Likely pathogenic. Review status: criteria provided, multiple submitters, no conflicts (2 of 4 stars). 8 submissions from 8 submitters: Pathogenic (6); Likely pathogenic (2). Last evaluated 2025-12-15.

Conditions:
CP-related disorders.
Deficiency of ferroxidase (ACEP). Also called: Aceruloplasminemia; NEURODEGENERATION WITH BRAIN IRON ACCUMULATION 10; Deficiency of ceruloplasmin; Ceruloplasmin deficiency; Familial apoceruloplasmin deficiency; Hereditary ceruloplasmin deficiency. Identifiers: Orphanet 48818, MedGen C0878682, MONDO:0011426, OMIM 604290, HP:0025498.

Allele frequency attached by ClinVar (database versions not stated): gnomAD exomes 0.00001; TOPMed 0.00002; gnomAD 0.00003 and 0.00004.

Submissions (8):

Labcorp Genetics (formerly Invitae), Labcorp
Classification: Pathogenic for Deficiency of ferroxidase. Last evaluated: 2025-12-15. Review status: criteria provided, single submitter. Criteria: Invitae Variant Classification Sherloc (09022015). Collection method: clinical testing. Allele origin: germline.
Comment: This sequence change creates a premature translational stop signal (p.Tyr890*) in the CP gene. It is expected to result in an absent or disrupted protein product. Loss-of-function variants in CP are known to be pathogenic (PMID: 16629161). This variant is present in population databases (no rsID available, gnomAD 0.005%). This variant has not been reported in the literature in individuals affected with CP-related conditions. ClinVar contains an entry for this variant (Variation ID: 952512). For these reasons, this variant has been classified as Pathogenic.

GeneDx
Classification: Likely pathogenic. Last evaluated: 2025-07-22. Review status: criteria provided, single submitter. Criteria: GeneDx Variant Classification Process June 2021. Collection method: clinical testing. Allele origin: germline. Affected: yes.
Comment: Nonsense variant predicted to result in protein truncation or nonsense-mediated decay in a gene for which loss-of-function is a known mechanism of disease; Not observed at significant frequency in large population cohorts (gnomAD); Has not been previously published as pathogenic or benign to our knowledge

3billion
Classification: Pathogenic for Deficiency of ferroxidase. Last evaluated: 2024-11-26. Review status: criteria provided, single submitter. Criteria: ACMG Guidelines, 2015. Collection method: clinical testing. Allele origin: germline. Affected: yes.
Comment: The variant is observed at an extremely low frequency in the gnomAD v4.1.0 dataset (total allele frequency: 0.001%). Predicted Consequence/Location: Stop-gained (nonsense): predicted to result in a loss or disruption of normal protein function through nonsense-mediated decay (NMD) or protein truncation. Multiple pathogenic variants are reported downstream of the variant. The variant has been reported at least twice as pathogenic with clinical assertions and evidence for the classification (ClinVar ID: VCV000952512). Therefore, this variant is classified as Pathogenic according to the recommendation of ACMG/AMP guideline.

Blueprint Genetics
Classification: Likely pathogenic for CP-related disorders. Last evaluated: 2024-08-07. Review status: criteria provided, single submitter. Criteria: ACMG Guidelines, 2015. Collection method: clinical testing. Allele origin: germline. Affected: yes. Observed: 2 variant alleles.

CeGaT Center for Human Genetics Tuebingen
Classification: Pathogenic. Last evaluated: 2024-05-01. Review status: criteria provided, single submitter. Criteria: CeGaT Center For Human Genetics Tuebingen Variant Classification Criteria Version 2. Collection method: clinical testing. Allele origin: germline. Affected: yes. Observed: 1 variant allele.
Comment: CP: PVS1, PM2

Institute of Human Genetics Munich, TUM University Hospital
Classification: Pathogenic for Deficiency of ferroxidase. Last evaluated: 2024-03-07. Review status: criteria provided, single submitter. Criteria: Classification criteria August 2017. Collection method: clinical testing. Allele origin: germline. Inheritance: Autosomal recessive inheritance. Affected: yes. Observed: 2 variant alleles.

Revvity Omics, Revvity
Classification: Pathogenic for Deficiency of ferroxidase. Last evaluated: 2020-08-27. Review status: criteria provided, single submitter. Criteria: ACMG Guidelines, 2015. Collection method: clinical testing. Allele origin: germline.

Department Of Human Genetics, Institute Of Clinical And Translational Research, Biomedical Research Center, Slovak Academy Of Sciences
Classification: Pathogenic for Deficiency of ferroxidase. Review status: criteria provided, single submitter. Criteria: ACMG Guidelines, 2015. Collection method: clinical testing. Allele origin: germline. Inheritance: Autosomal recessive inheritance. Affected: yes. Observed: 1 variant allele.

Literature cited by the submitters: PubMed 16629161 (cited by Labcorp Genetics (formerly Invitae), Labcorp); DOI 10.1007/s44411-026-00760-6 (cited by Department Of Human Genetics, Institute Of Clinical And Translational Research, Biomedical Research Center, Slovak Academy Of Sciences).